The following is an entry in ClinVar:

NM_001458.5(FLNC):c.7639A>C (p.Lys2547Gln)

Genes: FLNC (filamin C; plus strand), FLNC-AS1 (FLNC antisense RNA 1; minus strand). Cytogenetic location: 7q32.1.
Variant type: single nucleotide variant.
Coding change: c.7639A>C on transcript NM_001458.5 (MANE Select); coding-DNA position 7639, A replaced by C.
Protein change: p.Lys2547Gln; replaces lysine 2547 with glutamine.
Molecular consequence: missense variant.
Genome position (GRCh38, 1-based): chr7:128,857,195, A>C. VCF-style: chr7-128857195-A-C. GRCh37 (hg19) VCF-style: chr7-128497249-A-C.
Other names: c.7540A>C, p.Lys2514Gln (NM_001127487.2); short protein forms K2514Q, K2547Q.
Identifiers: ClinVar variation 4812362 (VCV004812362.1).

ClinVar aggregate classification (germline): Uncertain significance (1 of 4 stars; one submission).

Conditions:
Myofibrillar myopathy 5. Also called: FILAMINOPATHY, AUTOSOMAL DOMINANT; Filaminopathy (type). Identifiers: Orphanet 171445, MedGen C1836050, MONDO:0012289, OMIM 609524.
Distal myopathy with posterior leg and anterior hand involvement. Also called: WILLIAMS DISTAL MYOPATHY. Identifiers: Orphanet 63273, MedGen C3279722, MONDO:0013550, OMIM 614065.
Hypertrophic cardiomyopathy 26. Also called: Cardiomyopathy, familial hypertrophic, 26. Identifiers: Orphanet 75249, MedGen C4310749, MONDO:0014883, OMIM 617047.

Submission:

Labcorp Genetics (formerly Invitae), Labcorp
Classification: Uncertain significance for Distal myopathy with posterior leg and anterior hand involvement; Myofibrillar myopathy 5; Hypertrophic cardiomyopathy 26. Last evaluated: 2025-12-24. Review status: criteria provided, single submitter. Criteria: Invitae Variant Classification Sherloc (09022015). Collection method: clinical testing. Allele origin: germline.
Comment: This sequence change replaces lysine, which is basic and polar, with glutamine, which is neutral and polar, at codon 2547 of the FLNC protein (p.Lys2547Gln). This variant is not present in population databases (gnomAD no frequency). This variant has not been reported in the literature in individuals affected with FLNC-related conditions. Invitae Evidence Modeling of protein sequence and biophysical properties (such as structural, functional, and spatial information, amino acid conservation, physicochemical variation, residue mobility, and thermodynamic stability) indicates that this missense variant is not expected to disrupt FLNC protein function with a negative predictive value of 95%. In summary, the available evidence is currently insufficient to determine the role of this variant in disease. Therefore, it has been classified as a Variant of Uncertain Significance.